The following is an entry in ClinVar:

ClinVar aggregate classification (germline): Uncertain significance (1 of 4 stars; one submission).

Conditions:
DICER1-related tumor predisposition. Also called: DICER1 syndrome; DICER1-related pleuropulmonary blastoma cancer predisposition syndrome. Identifiers: Orphanet 284343, MedGen C3839822, MONDO:0100216.

Submission:

Labcorp Genetics (formerly Invitae), Labcorp
Classification: Uncertain significance for DICER1-related tumor predisposition. Last evaluated: 2021-11-25. Review status: criteria provided, single submitter. Criteria: Invitae Variant Classification Sherloc (09022015). Collection method: clinical testing. Allele origin: germline.
Comment: This variant is not present in population databases (gnomAD no frequency). In summary, the available evidence is currently insufficient to determine the role of this variant in disease. Therefore, it has been classified as a Variant of Uncertain Significance. Algorithms developed to predict the effect of missense changes on protein structure and function (SIFT, PolyPhen-2, Align-GVGD) all suggest that this variant is likely to be disruptive. This variant has not been reported in the literature in individuals affected with DICER1-related conditions. This sequence change replaces glutamine, which is neutral and polar, with glutamic acid, which is acidic and polar, at codon 501 of the DICER1 protein (p.Gln501Glu).

NM_177438.3(DICER1):c.1501C>G (p.Gln501Glu)

Gene: DICER1 (dicer 1, ribonuclease III; minus strand). Cytogenetic location: 14q32.13.
Variant type: single nucleotide variant.
Coding change: c.1501C>G on transcript NM_177438.3 (MANE Select); coding-DNA position 1501, C replaced by G.
Protein change: p.Gln501Glu; replaces glutamine 501 with glutamic acid.
Molecular consequence: missense variant.
Genome position (GRCh38, 1-based): chr14:95,117,630, G>C on the plus strand (C>G on the coding strand, the complement: DICER1 is on the minus strand). VCF-style: chr14-95117630-G-C. GRCh37 (hg19) VCF-style: chr14-95583967-G-C.
Other names: c.1501C>G, p.Gln501Glu (NM_001195573.1, NM_001271282.3, NM_001291628.2 and 1 more transcripts); short protein forms Q501E.
Identifiers: ClinVar variation 1450838 (VCV001450838.7), dbSNP rs1595414962, ClinGen allele CA390885397.